The following is an entry in ClinVar:

NM_000090.4(COL3A1):c.3103G>A (p.Gly1035Ser)

Gene: COL3A1 (collagen type III alpha 1 chain; plus strand). Cytogenetic location: 2q32.2.
Variant type: single nucleotide variant.
Coding change: c.3103G>A on transcript NM_000090.4 (MANE Select); coding-DNA position 3103, G replaced by A.
Protein change: p.Gly1035Ser; replaces glycine 1035 with serine.
Molecular consequence: missense variant.
Genome position (GRCh38, 1-based): chr2:189,006,354, G>A. VCF-style: chr2-189006354-G-A. GRCh37 (hg19) VCF-style: chr2-189871080-G-A.
Other names: short protein forms G1035S.
Identifiers: ClinVar variation 459784 (VCV000459784.13), dbSNP rs587779704, ClinGen allele CA349845022.

ClinVar aggregate classification (germline): Likely pathogenic. Review status: criteria provided, multiple submitters, no conflicts (2 of 4 stars). 3 submissions from 3 submitters: Likely pathogenic (3). Last evaluated 2023-04-21.

Conditions:
Cardiovascular phenotype. Identifiers: MedGen CN230736.
Familial thoracic aortic aneurysm and aortic dissection (TAAD). Also called: Thoracic aortic aneurysms and dissections. Identifiers: Orphanet 91387, MedGen C4707243, MONDO:0019625.
Ehlers-Danlos syndrome, type 4 (EDSVASC). Also called: Ehlers-Danlos syndrome vascular type; Ehlers Danlos syndrome, ecchymotic type; Ehlers Danlos syndrome, arterial type; Ehlers Danlos syndrome, Sack-Barabas type; Ehlers-Danlos Syndrome Type IV. Identifiers: Orphanet 286, MedGen C0268338, MONDO:0017314, OMIM 130050.

Submissions (3):

Ambry Genetics
Classification: Likely pathogenic for Familial thoracic aortic aneurysm and aortic dissection. Last evaluated: 2023-04-21. Review status: criteria provided, single submitter. Criteria: Ambry Variant Classification Scheme 2023. Collection method: clinical testing. Allele origin: germline.
Comment: The p.G1035S variant (also known as c.3103G>A), located in coding exon 43 of the COL3A1 gene, results from a G to A substitution at nucleotide position 3103. The glycine at codon 1035 is replaced by serine, an amino acid with similar properties. The majority (approximately two-thirds) of COL3A1 mutations identified to date have involved the substitution of another amino acid for glycine within the triple-helical domain (Pepin MG et al. Genet Med. 2014;16(12):881-8; Frank M et al. Eur J Hum Genet. 2015;23(12):1657-64). Internal structural analysis indicates that this alteration disrupts the characteristic G-X-Y motif in the COL3A1 protein and inserts a bulky side chain into a sterically-constrained region (Bella J et al. Science. 1994;266:75-81; Hohenester E et al. Proc. Natl. Acad. Sci. U.S.A. 2008;105:18273-7; Ambry internal data). This amino acid position is highly conserved in available vertebrate species. In addition, this alteration is predicted to be deleterious by in silico analysis. Based on the majority of available evidence to date, this variant is likely to be pathogenic.

Labcorp Genetics (formerly Invitae), Labcorp
Classification: Likely pathogenic for Ehlers-Danlos syndrome, type 4. Last evaluated: 2023-03-17. Review status: criteria provided, single submitter. Criteria: Invitae Variant Classification Sherloc (09022015). Collection method: clinical testing. Allele origin: germline.
Comment: In summary, the currently available evidence indicates that the variant is pathogenic, but additional data are needed to prove that conclusively. Therefore, this variant has been classified as Likely Pathogenic. This variant disrupts the triple helix domain of COL3A1. Glycine residues within the Gly-Xaa-Yaa repeats of the triple helix domain are required for the structure and stability of fibrillar collagens (PMID: 7695699, 8218237, 19344236). In COL3A1, variants that affect these glycine residues are significantly enriched in individuals with disease (PMID: 24922459, 25758994) compared to the general population (ExAC). Advanced modeling of protein sequence and biophysical properties (such as structural, functional, and spatial information, amino acid conservation, physicochemical variation, residue mobility, and thermodynamic stability) performed at Invitae indicates that this missense variant is expected to disrupt COL3A1 protein function. ClinVar contains an entry for this variant (Variation ID: 459784). This variant has not been reported in the literature in individuals affected with COL3A1-related conditions. This variant is not present in population databases (gnomAD no frequency). This sequence change replaces glycine, which is neutral and non-polar, with serine, which is neutral and polar, at codon 1035 of the COL3A1 protein (p.Gly1035Ser).

Women's Health and Genetics/Laboratory Corporation of America, LabCorp
Classification: Likely pathogenic for Cardiovascular phenotype. Last evaluated: 2017-03-20. Review status: criteria provided, single submitter. Criteria: LabCorp Variant Classification Summary - May 2015. Collection method: clinical testing. Allele origin: germline.
Comment: Variant summary: The COL3A1 c.3103G>A (p.Gly1035Ser) variant involves the alteration of a conserved nucleotide and 4/4 in silico tools (SNPs&GO not captured due to low reliability index) predict a damaging outcome, although these predictions have yet to be functionally assessed. Type III procollagen protein consists of 343 repetitions of glycine (Gly)-X-Y (X and Y are other amino acids). Glycine substitutions in COL3A1 gene encoding type III procollagen result in qualitative or quantitative abnormalities of mature type III collagen protein. Gly between codons 183 and 1188 are considered to be critical for proper folding of type III procollagen protein [proa1(III)] and any mutations that result in substitutions of glycine residues in the triple-helical domain of the proa1(III) chain are predicted to be pathogenic. The variant of interest alters a Glycine located within this critical domain. This variant is absent in 121356 control chromosomes (ExAC). The variant of interest has not, to our knowledge, been reported in affected individuals via publications and/or reputable databases/clinical diagnostic laboratories; nor evaluated for functional impact by in vivo/vitro studies. Another variant located at this position, c.3103G>T (p.Gly1035Cys) has been reported in ClinVar and classified as "pathogenic." Therefore, taking all available lines of evidence into consideration, the variant of interest has been classified as "likely pathogenic."

Literature cited by the submitters: PubMed 10706896 (cited by Ambry Genetics); PubMed 19011090 (cited by Ambry Genetics); PubMed 24922459 (cited by Ambry Genetics and Labcorp Genetics (formerly Invitae), Labcorp); PubMed 7695699 (cited by Ambry Genetics and Labcorp Genetics (formerly Invitae), Labcorp); PubMed 8218237 (cited by Labcorp Genetics (formerly Invitae), Labcorp); PubMed 19344236 (cited by Labcorp Genetics (formerly Invitae), Labcorp); PubMed 25758994 (cited by Labcorp Genetics (formerly Invitae), Labcorp).